The following is an entry in ClinVar:

NM_002029.4(FPR1):c.652G>T (p.Ala218Ser)

Gene: FPR1 (formyl peptide receptor 1; minus strand). Cytogenetic location: 19q13.41.
Variant type: single nucleotide variant.
Coding change: c.652G>T on transcript NM_002029.4 (MANE Select); coding-DNA position 652, G replaced by T.
Protein change: p.Ala218Ser; replaces alanine 218 with serine.
Molecular consequence: missense variant.
Genome position (GRCh38, 1-based): chr19:51,746,343, C>A on the plus strand (G>T on the coding strand, the complement: FPR1 is on the minus strand). VCF-style: chr19-51746343-C-A. GRCh37 (hg19) VCF-style: chr19-52249596-C-A.
Other names: c.652G>T, p.Ala218Ser (NM_001193306.2); short protein forms A218S.
Identifiers: ClinVar variation 1449872 (VCV001449872.6), dbSNP rs145775814, ClinGen allele CA9616406.

ClinVar aggregate classification (germline): Uncertain significance (1 of 4 stars; one submission).

Conditions:
Gingival disorder. Also called: Gingival disease. Identifiers: MedGen C0017563, MONDO:0002021.

Allele frequency attached by ClinVar (database versions not stated): ExAC 0.00001; gnomAD 0.00001; gnomAD exomes 0.00001 and 0.00002; TOPMed 0.00001; ESP Exome Variant Server 0.00008.
gnomAD v4.1: 14 of 1,614,056 alleles (0.00087%); highest among the groups gnomAD compares: Non-Finnish European, 0.001%; no homozygotes.

Submission:

Labcorp Genetics (formerly Invitae), Labcorp
Classification: Uncertain significance for Gingival disorder. Last evaluated: 2025-03-21. Review status: criteria provided, single submitter. Criteria: Invitae Variant Classification Sherloc (09022015). Collection method: clinical testing. Allele origin: germline.
Comment: This sequence change replaces alanine, which is neutral and non-polar, with serine, which is neutral and polar, at codon 218 of the FPR1 protein (p.Ala218Ser). This variant is present in population databases (rs145775814, gnomAD 0.009%). This variant has not been reported in the literature in individuals affected with FPR1-related conditions. ClinVar contains an entry for this variant (Variation ID: 1449872). An algorithm developed to predict the effect of missense changes on protein structure and function outputs the following: PolyPhen-2: "Benign". The serine amino acid residue is found in multiple mammalian species, which suggests that this missense change does not adversely affect protein function. In summary, the available evidence is currently insufficient to determine the role of this variant in disease. Therefore, it has been classified as a Variant of Uncertain Significance.